The following is an entry in ClinVar:

ClinVar aggregate classification (germline): Uncertain significance (1 of 4 stars; one submission).

Conditions:
Inborn genetic diseases. Identifiers: MedGen C0950123, MeSH D030342.

Allele frequency attached by ClinVar (database versions not stated): ExAC 0.00001.
gnomAD v4.1: 18 of 1,614,120 alleles (0.0011%); highest among the groups gnomAD compares: East Asian, 0.013%; no homozygotes.

Submission:

Ambry Genetics
Classification: Uncertain significance for Inborn genetic diseases. Last evaluated: 2022-04-26. Review status: criteria provided, single submitter. Criteria: Ambry Variant Classification Scheme 2023. Collection method: clinical testing. Allele origin: germline.
Comment: The p.R129C variant (also known as c.385C>T), located in coding exon 2 of the BICD2 gene, results from a C to T substitution at nucleotide position 385. The arginine at codon 129 is replaced by cysteine, an amino acid with highly dissimilar properties. This amino acid position is conserved. In addition, this alteration is predicted to be tolerated by in silico analysis. Since supporting evidence is limited at this time, the clinical significance of this alteration remains unclear.

NM_001003800.2(BICD2):c.385C>T (p.Arg129Cys)

Gene: BICD2 (BICD cargo adaptor 2; minus strand). Cytogenetic location: 9q22.31.
Variant type: single nucleotide variant.
Coding change: c.385C>T on transcript NM_001003800.2 (MANE Select); coding-DNA position 385, C replaced by T.
Protein change: p.Arg129Cys; replaces arginine 129 with cysteine.
Molecular consequence: missense variant.
Genome position (GRCh38, 1-based): chr9:92,729,092, G>A on the plus strand (C>T on the coding strand, the complement: BICD2 is on the minus strand). VCF-style: chr9-92729092-G-A. GRCh37 (hg19) VCF-style: chr9-95491374-G-A.
Other names: c.385C>T, p.Arg129Cys (NM_015250.4); short protein forms R129C.
Identifiers: ClinVar variation 1735589 (VCV001735589.2), dbSNP rs747158081, ClinGen allele CA5126830.